The following is an entry in ClinVar:

ClinVar aggregate classification (germline): Pathogenic. Review status: reviewed by expert panel (3 of 4 stars). 3 submissions from 3 submitters: Pathogenic (1). 2 of the submissions do not count toward it. Last evaluated 2016-09-08.

Conditions:
Breast-ovarian cancer, familial, susceptibility to, 2 (BROVCA2). Also called: BRCA2 Hereditary Breast and Ovarian Cancer. Identifiers: Orphanet 145, MedGen C2675520, MONDO:0012933, OMIM 612555. Disease mechanism: loss of function.

Submissions (3):

Evidence-based Network for the Interpretation of Germline Mutant Alleles (ENIGMA)
Classification: Pathogenic for Breast-ovarian cancer, familial, susceptibility to, 2. Last evaluated: 2016-09-08. Review status: reviewed by expert panel. Criteria: ENIGMA BRCA1/2 Classification Criteria (2015). Collection method: curation. Allele origin: germline.
Comment: Variant allele predicted to encode a truncated non-functional protein.

Consortium of Investigators of Modifiers of BRCA1/2 (CIMBA), c/o University of Cambridge
Classification: Pathogenic for Breast-ovarian cancer, familial, susceptibility to, 2. Last evaluated: 2015-10-02. Review status: criteria provided, single submitter. Criteria: CIMBA Mutation Classification guidelines May 2016. Collection method: clinical testing. Allele origin: germline. Not counted in ClinVar's aggregate classification.

Breast Cancer Information Core (BIC) (BRCA2)
Classification: Pathogenic for Breast-ovarian cancer, familial 2. Last evaluated: 2007-04-03. Review status: no assertion criteria provided. Collection method: clinical testing. Allele origin: germline. Affected: yes. Observed: 1 variant allele. Not counted in ClinVar's aggregate classification.

NM_000059.4(BRCA2):c.541del (p.Ser181fs)

Gene: BRCA2 (BRCA2 DNA repair associated; plus strand). Cytogenetic location: 13q13.1.
Variant type: Deletion.
Coding change: c.541del on transcript NM_000059.4 (MANE Select); coding-DNA position 541, one base deleted (T; older notation c.541delT).
Protein change: p.Ser181fs; shifts the reading frame from serine 181.
Molecular consequence: frameshift variant.
Genome position (GRCh38, 1-based): chr13:32,326,523, T deleted; the last of 3 consecutive T bases (chr13:32,326,521-32,326,523); deleting any one gives the same sequence. VCF-style (leftmost placement, unchanged base first): chr13-32326520-AT-A. GRCh37 (hg19) VCF-style: chr13-32900657-AT-A.
Other names: 767delT; c.541delT (NM_000059.3).
Identifiers: ClinVar variation 254478 (VCV000254478.3), dbSNP rs276174857, ClinGen allele CA022226.
Genomic context (GRCh38, chr13:32,326,520, plus strand): 5'-GCATTTCTATAAAAAATAAACTATTTTCTTTCCTCCCAGGGTCGTCAGACACCAAAACAT[AT>A]TTCTGAAAGTCTAGGAGCTGAGGTGGATCCTGATATGTCTTGGTCAAGTTCTTTAGCTAC-3'